The following is an entry in ClinVar:

NM_206965.2(FTCD):c.360C>T (p.Asp120=)

Gene: FTCD (formimidoyltransferase cyclodeaminase; minus strand). Cytogenetic location: 21q22.3.
Variant type: single nucleotide variant.
Coding change: c.360C>T on transcript NM_206965.2 (MANE Select); coding-DNA position 360, C replaced by T.
Protein change: p.Asp120=; no amino-acid change (aspartic acid 120 retained).
Molecular consequence: synonymous variant.
Genome position (GRCh38, 1-based): chr21:46,152,914, G>A on the plus strand (C>T on the coding strand, the complement: FTCD is on the minus strand). VCF-style: chr21-46152914-G-A. GRCh37 (hg19) VCF-style: chr21-47572828-G-A.
Other names: c.360C>T, p.Asp120= (NM_001320412.2, NM_006657.3).
Identifiers: ClinVar variation 3341886 (VCV003341886.17).

ClinVar aggregate classification (germline): Likely benign. Review status: criteria provided, multiple submitters, no conflicts (2 of 4 stars). 2 submissions from 2 submitters: Likely benign (2). Last evaluated 2024-11-21.

gnomAD v4.1: 29 of 1,570,718 alleles (0.0018%); highest among the groups gnomAD compares: Middle Eastern, 0.017%; no homozygotes.

Submissions (2):

Blueprint Genetics
Classification: Likely benign. Last evaluated: 2024-11-21. Review status: criteria provided, single submitter. Criteria: ACMG Guidelines, 2015. Collection method: clinical testing. Allele origin: germline.

CeGaT Center for Human Genetics Tuebingen
Classification: Likely benign. Last evaluated: 2024-08-01. Review status: criteria provided, single submitter. Criteria: CeGaT Center For Human Genetics Tuebingen Variant Classification Criteria Version 2. Collection method: clinical testing. Allele origin: germline. Affected: yes. Observed: 1 variant allele.
Comment: FTCD: BP4, BP7